The following is an entry in ClinVar:

NM_006623.4(PHGDH):c.600_601del (p.Cys200_Asp201delinsTer)

Gene: PHGDH (phosphoglycerate dehydrogenase; plus strand). Cytogenetic location: 1p12.
Variant type: Microsatellite.
Coding change: c.600_601del on transcript NM_006623.4 (MANE Select); coding-DNA positions 600 to 601, 2 bases deleted (TG; older notation c.600_601delTG).
Protein change: p.Cys200_Asp201delinsTer.
Molecular consequence: nonsense.
Genome position (GRCh38, 1-based): chr1:119,734,723-119,734,724, TG deleted; deleting any 2 consecutive bases within chr1:119,734,721-119,734,724 gives the same sequence; the c. name uses the placement nearest the transcript's 3' end. VCF-style (leftmost placement, unchanged base first): chr1-119734720-CTG-C. GRCh37 (hg19) VCF-style: chr1-120277343-CTG-C.
Other names: c.600_601delTG (NM_006623.4).
Identifiers: ClinVar variation 3895786 (VCV003895786.1).

ClinVar aggregate classification (germline): Pathogenic (1 of 4 stars; one submission).

Conditions:
PHGDH deficiency. Identifiers: Orphanet 79351, MedGen C1866174, MONDO:0011152, OMIM 601815.

Submission:

Women's Health and Genetics/Laboratory Corporation of America, LabCorp
Classification: Pathogenic for PHGDH deficiency. Last evaluated: 2025-03-07. Review status: criteria provided, single submitter. Criteria: LabCorp Variant Classification Summary - May 2015. Collection method: clinical testing. Allele origin: germline.
Comment: Variant summary: PHGDH c.600_601delTG (p.Cys200X) results in a premature termination codon, predicted to cause a truncation of the encoded protein or absence of the protein due to nonsense mediated decay, which are commonly known mechanisms for disease. The variant was absent in 251482 control chromosomes. To our knowledge, no occurrence of c.600_601delTG in individuals affected with Phosphoglycerate Dehydrogenase Deficiency and no experimental evidence demonstrating its impact on protein function have been reported. No submitters have cited clinical-significance assessments for this variant to ClinVar. Based on the evidence outlined above, the variant was classified as pathogenic.